The following is an entry in ClinVar:

NM_000051.4(ATM):c.1109A>G (p.Tyr370Cys)

Gene: ATM (ATM serine/threonine kinase; plus strand). Cytogenetic location: 11q22.3.
Variant type: single nucleotide variant.
Coding change: c.1109A>G on transcript NM_000051.4 (MANE Select); coding-DNA position 1109, A replaced by G.
Protein change: p.Tyr370Cys; replaces tyrosine 370 with cysteine.
Molecular consequence: missense variant.
Genome position (GRCh38, 1-based): chr11:108,248,976, A>G. VCF-style: chr11-108248976-A-G. GRCh37 (hg19) VCF-style: chr11-108119703-A-G.
Other names: c.1109A>G, p.Tyr370Cys (NM_001351834.2); short protein forms Y370C.
Identifiers: ClinVar variation 4617853 (VCV004617853.1).

ClinVar aggregate classification (germline): Uncertain significance (1 of 4 stars; one submission).

Conditions:
Hereditary cancer-predisposing syndrome. Also called: Neoplastic Syndromes, Hereditary; Tumor predisposition; Hereditary Cancer Syndrome; Hereditary neoplastic syndrome. Identifiers: Orphanet 140162, MedGen C0027672, MeSH D009386, MONDO:0015356.

Submission:

Ambry Genetics
Classification: Uncertain significance for Hereditary cancer-predisposing syndrome. Last evaluated: 2025-10-22. Review status: criteria provided, single submitter. Criteria: Ambry Variant Classification Scheme 2023. Collection method: clinical testing. Allele origin: germline.
Comment: The p.Y370C variant (also known as c.1109A>G), located in coding exon 8 of the ATM gene, results from an A to G substitution at nucleotide position 1109. The tyrosine at codon 370 is replaced by cysteine, an amino acid with highly dissimilar properties. This amino acid position is conserved. In addition, this alteration is predicted to be tolerated by in silico analysis. Based on the available evidence, the clinical significance of this variant remains unclear.